The following is an entry in ClinVar:

ClinVar aggregate classification (germline): Uncertain significance. Review status: criteria provided, multiple submitters, no conflicts (2 of 4 stars). 2 submissions from 2 submitters: Uncertain significance (2). Last evaluated 2025-11-04.

Conditions:
Inborn genetic diseases. Identifiers: MedGen C0950123, MeSH D030342.

Allele frequency attached by ClinVar (database versions not stated): gnomAD exomes 0.00003; gnomAD 0.00003; ExAC 0.00002.
gnomAD v4.1: 43 of 1,614,058 alleles (0.0027%); highest among the groups gnomAD compares: Non-Finnish European, 0.0033%; no homozygotes.

Submissions (2):

Labcorp Genetics (formerly Invitae), Labcorp
Classification: Uncertain significance. Last evaluated: 2025-11-04. Review status: criteria provided, single submitter. Criteria: Invitae Variant Classification Sherloc (09022015). Collection method: clinical testing. Allele origin: germline.
Comment: This sequence change replaces serine, which is neutral and polar, with glycine, which is neutral and non-polar, at codon 546 of the PPP1R15B protein (p.Ser546Gly). This variant is present in population databases (rs775827854, gnomAD 0.004%). This variant has not been reported in the literature in individuals affected with PPP1R15B-related conditions. ClinVar contains an entry for this variant (Variation ID: 2220761). Invitae Evidence Modeling of protein sequence and biophysical properties (such as structural, functional, and spatial information, amino acid conservation, physicochemical variation, residue mobility, and thermodynamic stability) indicates that this missense variant is expected to disrupt PPP1R15B protein function with a positive predictive value of 80%. In summary, the available evidence is currently insufficient to determine the role of this variant in disease. Therefore, it has been classified as a Variant of Uncertain Significance.

Ambry Genetics
Classification: Uncertain significance for Inborn genetic diseases. Last evaluated: 2022-02-28. Review status: criteria provided, single submitter. Criteria: Ambry Variant Classification Scheme 2023. Collection method: clinical testing. Allele origin: germline.

NM_032833.5(PPP1R15B):c.1636A>G (p.Ser546Gly)

Gene: PPP1R15B (protein phosphatase 1 regulatory subunit 15B; minus strand). Cytogenetic location: 1q32.1.
Variant type: single nucleotide variant.
Coding change: c.1636A>G on transcript NM_032833.5 (MANE Select); coding-DNA position 1636, A replaced by G.
Protein change: p.Ser546Gly; replaces serine 546 with glycine.
Molecular consequence: missense variant.
Genome position (GRCh38, 1-based): chr1:204,409,776, T>C on the plus strand (A>G on the coding strand, the complement: PPP1R15B is on the minus strand). VCF-style: chr1-204409776-T-C. GRCh37 (hg19) VCF-style: chr1-204378904-T-C.
Other names: short protein forms S546G.
Identifiers: ClinVar variation 2220761 (VCV002220761.5), dbSNP rs775827854, ClinGen allele CA1346595.